The following is an entry in ClinVar:

ClinVar aggregate classification (germline): Uncertain significance (1 of 4 stars; one submission).

Conditions:
Inborn genetic diseases. Identifiers: MedGen C0950123, MeSH D030342.

Submission:

Ambry Genetics
Classification: Uncertain significance for Inborn genetic diseases. Last evaluated: 2026-01-18. Review status: criteria provided, single submitter. Criteria: Ambry Variant Classification Scheme 2023. Collection method: clinical testing. Allele origin: germline.
Comment: The p.D717E variant (also known as c.2151C>A), located in coding exon 13 of the PIK3CA gene, results from a C to A substitution at nucleotide position 2151. The aspartic acid at codon 717 is replaced by glutamic acid, an amino acid with highly similar properties. This amino acid position is conserved. In addition, this alteration is predicted to be tolerated by in silico analysis. Based on the available evidence, the clinical significance of this variant remains unclear.

NM_006218.4(PIK3CA):c.2151C>A (p.Asp717Glu)

Gene: PIK3CA (phosphatidylinositol-4,5-bisphosphate 3-kinase catalytic subunit alpha; plus strand). Cytogenetic location: 3q26.32.
Variant type: single nucleotide variant.
Coding change: c.2151C>A on transcript NM_006218.4 (MANE Select); coding-DNA position 2151, C replaced by A.
Protein change: p.Asp717Glu; replaces aspartic acid 717 with glutamic acid.
Molecular consequence: missense variant.
Genome position (GRCh38, 1-based): chr3:179,221,121, C>A. VCF-style: chr3-179221121-C-A. GRCh37 (hg19) VCF-style: chr3-178938909-C-A.
Other names: short protein forms D717E.
Identifiers: ClinVar variation 4825363 (VCV004825363.1).